The following is an entry in ClinVar:

ClinVar aggregate classification (germline): Uncertain significance (1 of 4 stars; one submission).

Conditions:
DSCAM-related disorder. Also called: DSCAM-related condition.

Allele frequency attached by ClinVar (database versions not stated): gnomAD 0.00001; TOPMed 0.00001.
gnomAD v4.1: 2 of 1,614,106 alleles (0.00012%); highest among the groups gnomAD compares: African/African-American, 0.0027%; no homozygotes.

Submission:

PreventionGenetics, part of Exact Sciences
Classification: Uncertain significance for DSCAM-related condition. Last evaluated: 2023-09-14. Review status: criteria provided, single submitter. Criteria: ACMG Guidelines, 2015. Collection method: clinical testing. Allele origin: germline.
Comment: The DSCAM c.1454C>T variant is predicted to result in the amino acid substitution p.Thr485Ile. To our knowledge, this variant has not been reported in the literature. This variant is reported in 0.011% of alleles in individuals of African descent in gnomAD. At this time, the clinical significance of this variant is uncertain due to the absence of conclusive functional and genetic evidence.

NM_001389.5(DSCAM):c.1454C>T (p.Thr485Ile)

Genes: DSCAM (DS cell adhesion molecule; minus strand), LOC126653376 (BRD4-independent group 4 enhancer GRCh37_chr21:41709903-41711102; plus strand). Cytogenetic location: 21q22.2.
Variant type: single nucleotide variant.
Coding change: c.1454C>T on transcript NM_001389.5 (MANE Select); coding-DNA position 1454, C replaced by T.
Protein change: p.Thr485Ile; replaces threonine 485 with isoleucine.
Molecular consequence: missense variant. On other transcripts: non-coding transcript variant (1).
Genome position (GRCh38, 1-based): chr21:40,339,172, G>A on the plus strand (C>T on the coding strand, the complement: DSCAM is on the minus strand). VCF-style: chr21-40339172-G-A. GRCh37 (hg19) VCF-style: chr21-41711099-G-A.
Other names: c.1454C>T, p.Thr485Ile (NM_001271534.3, NM_206887.1); short protein forms T485I.
Identifiers: ClinVar variation 2630736 (VCV002630736.1), dbSNP rs1463628845, ClinGen allele CA410597140.
Genomic context (GRCh38, chr21:40,339,172, plus strand): 5'-CAAGCACCTCTTACGTTTATTCGAGCCTGGTACAGGACGACTCCCGCCGAGTTGTTGGCA[G>A]TGCAGCGGTAGACTCCCCCGTCCCGGACCTGGGAGCTGGAGATGTTCAGGTAGCTGACCA-3'
Protein context (NP_001380.2, residues 475-495): QVRDGGVYRC[Thr485Ile]ANNSAGVVLY